The following is an entry in ClinVar:

NM_001081.4(CUBN):c.10102A>G (p.Met3368Val)

Gene: CUBN (cubilin; minus strand). Cytogenetic location: 10p13.
Variant type: single nucleotide variant.
Coding change: c.10102A>G on transcript NM_001081.4 (MANE Select); coding-DNA position 10102, A replaced by G.
Protein change: p.Met3368Val; replaces methionine 3368 with valine.
Molecular consequence: missense variant.
Genome position (GRCh38, 1-based): chr10:16,836,313, T>C on the plus strand (A>G on the coding strand, the complement: CUBN is on the minus strand). VCF-style: chr10-16836313-T-C. GRCh37 (hg19) VCF-style: chr10-16878312-T-C.
Other names: short protein forms M3368V.
Identifiers: ClinVar variation 299368 (VCV000299368.19), dbSNP rs767333853, ClinGen allele CA5422478.

ClinVar aggregate classification (germline): Conflicting classifications of pathogenicity. Review status: criteria provided, conflicting classifications (1 of 4 stars). 6 submissions from 6 submitters: Likely pathogenic (2); Uncertain significance (4). Last evaluated 2026-10-08.

Conditions:
Proteinuria, chronic benign. Identifiers: MedGen C5394384, MONDO:0030042, OMIM 618884.
Imerslund-Grasbeck syndrome type 1 (IGS1). Also called: Megaloblastic anemia 1, Finnish type; Imerslund-Gräsbeck syndrome 1; MEGALOBLASTIC ANEMIA, 1. Identifiers: MedGen C4016819, MONDO:0100156, OMIM 261100.
CUBN-related disorder. Also called: CUBN-related condition.
Imerslund-Grasbeck syndrome. Also called: Imerslund-Gräsbeck syndrome; ENTEROCYTE COBALAMIN MALABSORPTION; ENTEROCYTE INTRINSIC FACTOR RECEPTOR, DEFECT OF; PERNICIOUS ANEMIA, JUVENILE, DUE TO SELECTIVE INTESTINAL MALABSORPTION OF VITAMIN B12, WITH PROTEINURIA; Megaloblastic anemia due to inborn errors of metabolism. Identifiers: Orphanet 35858, MedGen C4551825, MONDO:0009853.

Allele frequency attached by ClinVar (database versions not stated): gnomAD exomes 0.00009 and 0.00018; ExAC 0.00016; gnomAD 0.00005 and 0.00007; TOPMed 0.00006.
gnomAD v4.1: 140 of 1,613,484 alleles (0.0087%); highest among the groups gnomAD compares: Middle Eastern, 0.099%; 1 homozygote.

Submissions (6):

GeneDx
Classification: Likely pathogenic. Last evaluated: 2026-10-08. Review status: criteria provided, single submitter. Criteria: GeneDx Variant Classification Process June 2021. Collection method: clinical testing. Allele origin: germline.
Comment: In silico analysis supports a deleterious effect on splicing; In silico analysis suggests that this missense variant does not alter protein structure/function; This variant is associated with the following publications: (PMID: Yildiz2025[CaseReport], 41781699, 36112210, 34610128)

PreventionGenetics, part of Exact Sciences
Classification: Likely pathogenic for CUBN-related condition. Last evaluated: 2026-07-08. Review status: criteria provided, single submitter. Criteria: ACMG Guidelines, 2015. Collection method: clinical testing. Allele origin: germline.
Comment: The CUBN c.10102A>G variant is predicted to result in the amino acid substitution p.Met3368Val. This variant was reported in the compound heterozygous state with another causative variant or the homozygous state in multiple individuals with proteinuria (Domingo-Gallego et al. 2021. PubMed ID: 34610128; Cicek et al. 2022. PubMed ID: 36112210). This variant is reported in 0.12% of alleles in individuals of South Asian descent in gnomAD. This variant is interpreted as likely pathogenic.

3billion
Classification: Uncertain significance for CUBN-related disorder. Last evaluated: 2025-09-29. Review status: criteria provided, single submitter. Criteria: ACMG Guidelines, 2015. Collection method: clinical testing. Allele origin: germline. Affected: yes.
Comment: The variant is observed at an extremely low frequency in the gnomAD v4.1.0 dataset (total allele frequency: 0.009%). Predicted Consequence/Location: Missense variant. The majority of the known disease-causing variants of this gene are variants expected to result in premature termination of the protein. In silico tools predict the variant to alter splicing and produce an abnormal transcript [SpliceAI: 0.92 (>=0.2, moderate evidence for spliceogenicity)]. The same nucleotide change resulting in the same amino acid change has been previously reported to be associated with CUBN-related disorder (PMID: 34610128). However, the evidence of pathogenicity is insufficient at this time. Therefore, this variant is classified as VUS according to the recommendation of ACMG/AMP guideline.

Fulgent Genetics
Classification: Uncertain significance for Imerslund-Grasbeck syndrome type 1; Proteinuria, chronic benign. Last evaluated: 2024-03-07. Review status: criteria provided, single submitter. Criteria: ACMG Guidelines, 2015. Collection method: clinical testing. Allele origin: germline.

Labcorp Genetics (formerly Invitae), Labcorp
Classification: Uncertain significance for Imerslund-Grasbeck syndrome. Last evaluated: 2022-08-09. Review status: criteria provided, single submitter. Criteria: Invitae Variant Classification Sherloc (09022015). Collection method: clinical testing. Allele origin: germline.
Comment: In summary, the available evidence is currently insufficient to determine the role of this variant in disease. Therefore, it has been classified as a Variant of Uncertain Significance. Algorithms developed to predict the effect of sequence changes on RNA splicing suggest that this variant may disrupt the consensus splice site. Algorithms developed to predict the effect of missense changes on protein structure and function output the following: SIFT: "Tolerated"; PolyPhen-2: "Benign"; Align-GVGD: "Class C0". The valine amino acid residue is found in multiple mammalian species, which suggests that this missense change does not adversely affect protein function. ClinVar contains an entry for this variant (Variation ID: 299368). This variant has not been reported in the literature in individuals affected with CUBN-related conditions. This variant is present in population databases (rs767333853, gnomAD 0.1%). This sequence change replaces methionine, which is neutral and non-polar, with valine, which is neutral and non-polar, at codon 3368 of the CUBN protein (p.Met3368Val).

Illumina Laboratory Services, Illumina
Classification: Uncertain significance for Imerslund-Grasbeck syndrome type 1. Last evaluated: 2018-01-13. Review status: criteria provided, single submitter. Criteria: ICSL Variant Classification Criteria 13 December 2019. Collection method: clinical testing. Allele origin: germline.

Literature cited by the submitters: PubMed 34610128 (cited by 3billion).